The following is an entry in ClinVar:

NM_001177316.2(SLC34A3):c.439G>A (p.Ala147Thr)

Gene: SLC34A3 (solute carrier family 34 member 3; plus strand). Cytogenetic location: 9q34.3.
Variant type: single nucleotide variant.
Coding change: c.439G>A on transcript NM_001177316.2 (MANE Select); coding-DNA position 439, G replaced by A.
Protein change: p.Ala147Thr; replaces alanine 147 with threonine.
Molecular consequence: missense variant.
Genome position (GRCh38, 1-based): chr9:137,232,918, G>A. VCF-style: chr9-137232918-G-A. GRCh37 (hg19) VCF-style: chr9-140127370-G-A.
Other names: c.439G>A, p.Ala147Thr (NM_001177317.2, NM_080877.3); short protein forms A147T.
Identifiers: ClinVar variation 64501 (VCV000064501.3), dbSNP rs387907512, ClinGen allele CA216286.

ClinVar aggregate classification (germline): Uncertain significance (0 of 4 stars; one submission).

Submission:

Martin Pollak Laboratory,  Beth Israel Deaconess Medical Center
Classification: Uncertain significance. Review status: no assertion criteria provided. Collection method: not provided. Allele origin: unknown.
Comment: Higher UCa2+ group
ClinVar note: Converted during submission from unknown to Uncertain significance.